The following is an entry in ClinVar:

NM_006231.4(POLE):c.5711C>T (p.Thr1904Ile)

Gene: POLE (DNA polymerase epsilon, catalytic subunit; minus strand). Cytogenetic location: 12q24.33.
Variant type: single nucleotide variant.
Coding change: c.5711C>T on transcript NM_006231.4 (MANE Select); coding-DNA position 5711, C replaced by T.
Protein change: p.Thr1904Ile; replaces threonine 1904 with isoleucine.
Molecular consequence: missense variant.
Genome position (GRCh38, 1-based): chr12:132,635,992, G>A on the plus strand (C>T on the coding strand, the complement: POLE is on the minus strand). VCF-style: chr12-132635992-G-A. GRCh37 (hg19) VCF-style: chr12-133212578-G-A.
Other names: short protein forms T1904I.
Identifiers: ClinVar variation 1004024 (VCV001004024.8), dbSNP rs2042024647, ClinGen allele CA387373192.

ClinVar aggregate classification (germline): Uncertain significance (1 of 4 stars; one submission).

Submission:

Labcorp Genetics (formerly Invitae), Labcorp
Classification: Uncertain significance. Last evaluated: 2021-04-14. Review status: criteria provided, single submitter. Criteria: Invitae Variant Classification Sherloc (09022015). Collection method: clinical testing. Allele origin: germline.
Comment: This sequence change replaces threonine with isoleucine at codon 1904 of the POLE protein (p.Thr1904Ile). The threonine residue is moderately conserved and there is a moderate physicochemical difference between threonine and isoleucine. This variant is not present in population databases (ExAC no frequency). This variant has not been reported in the literature in individuals with POLE-related conditions. Algorithms developed to predict the effect of missense changes on protein structure and function (SIFT, PolyPhen-2, Align-GVGD) all suggest that this variant is likely to be tolerated, but these predictions have not been confirmed by published functional studies and their clinical significance is uncertain. In summary, the available evidence is currently insufficient to determine the role of this variant in disease. Therefore, it has been classified as a Variant of Uncertain Significance.